The following is an entry in ClinVar:

NM_020975.6(RET):c.3127T>G (p.Cys1043Gly)

Gene: RET (ret proto-oncogene; plus strand). Cytogenetic location: 10q11.21.
Variant type: single nucleotide variant.
Coding change: c.3127T>G on transcript NM_020975.6 (MANE Select); coding-DNA position 3127, T replaced by G.
Protein change: p.Cys1043Gly; replaces cysteine 1043 with glycine.
Molecular consequence: missense variant.
Genome position (GRCh38, 1-based): chr10:43,126,662, T>G. VCF-style: chr10-43126662-T-G. GRCh37 (hg19) VCF-style: chr10-43622110-T-G.
Other names: c.3127T>G, p.Cys1043Gly (NM_000323.2, NM_001406743.1, NM_001406744.1 and 4 more transcripts); c.2365T>G, p.Cys789Gly (NM_001355216.2); c.2998T>G, p.Cys1000Gly (NM_001406761.1, NM_001406762.1, NM_001406764.1); c.2992T>G, p.Cys998Gly (NM_001406763.1, NM_001406765.1); c.2839T>G, p.Cys947Gly (NM_001406766.1, NM_001406767.1, NM_001406770.1); c.2863T>G, p.Cys955Gly (NM_001406768.1); c.2731T>G, p.Cys911Gly (NM_001406769.1, NM_001406772.1); c.2689T>G, p.Cys897Gly (NM_001406771.1, NM_001406773.1); and 10 more; short protein forms C1043G, C789G, C868G, C955G, C648G, C701G, C744G, C801G.
Identifiers: ClinVar variation 822956 (VCV000822956.16), dbSNP rs1367574614, ClinGen allele CA376558448.
Genomic context (GRCh38, chr10:43,126,662, plus strand): 5'-CCATCTGACTCCCTGATTTATGACGACGGCCTCTCAGAGGAGGAGACACCGCTGGTGGAC[T>G]GTAATAATGCCCCCCTCCCTCGAGCCCTCCCTTCCACATGGATTGAAAACAAACTCTATG-3'
Protein context (NP_066124.1, residues 1033-1053): LSEEETPLVD[Cys1043Gly]NNAPLPRALP

ClinVar aggregate classification (germline): Uncertain significance. Review status: criteria provided, multiple submitters, no conflicts (2 of 4 stars). 3 submissions from 3 submitters: Uncertain significance (3). Last evaluated 2025-11-03.

Conditions:
Multiple endocrine neoplasia, type 2 (MEN2). Identifiers: Orphanet 653, MedGen C4048306, MONDO:0019003. Disease mechanism: gain of function.
Hereditary cancer-predisposing syndrome. Also called: Tumor predisposition; Hereditary Cancer Syndrome; Neoplastic Syndromes, Hereditary; Hereditary neoplastic syndrome. Identifiers: Orphanet 140162, MedGen C0027672, MeSH D009386, MONDO:0015356.

Allele frequency attached by ClinVar (database versions not stated): gnomAD below 0.00001 and 0.00001; gnomAD exomes 0.00001.
gnomAD v4.1: 7 of 1,614,004 alleles (0.00043%); highest among the groups gnomAD compares: South Asian, 0.0011%; no homozygotes.

Submissions (3):

Labcorp Genetics (formerly Invitae), Labcorp
Classification: Uncertain significance for Multiple endocrine neoplasia, type 2. Last evaluated: 2025-11-03. Review status: criteria provided, single submitter. Criteria: Invitae Variant Classification Sherloc (09022015). Collection method: clinical testing. Allele origin: germline.
Comment: This sequence change replaces cysteine, which is neutral and slightly polar, with glycine, which is neutral and non-polar, at codon 1043 of the RET protein (p.Cys1043Gly). This variant is present in population databases (no rsID available, gnomAD 0.01%). This variant has not been reported in the literature in individuals affected with RET-related conditions. ClinVar contains an entry for this variant (Variation ID: 822956). An algorithm developed to predict the effect of missense changes on protein structure and function (PolyPhen-2) suggests that this variant is likely to be tolerated. Algorithms developed to predict the effect of sequence changes on RNA splicing suggest that this variant may disrupt the consensus splice site. In summary, the available evidence is currently insufficient to determine the role of this variant in disease. Therefore, it has been classified as a Variant of Uncertain Significance.

Color Diagnostics, LLC DBA Color Health
Classification: Uncertain significance for Multiple endocrine neoplasia, type 2. Last evaluated: 2025-06-09. Review status: criteria provided, single submitter. Criteria: ACMG Guidelines, 2015. Collection method: clinical testing. Allele origin: germline.
Comment: This missense variant replaces cysteine with glycine at codon 1043 of the RET protein. Computational prediction is inconclusive regarding the impact of this variant on protein structure and function. To our knowledge, functional studies have not been reported for this variant. This variant has not been reported in individuals affected with RET-related disorders in the literature. This variant has been identified in 3/251468 chromosomes in the general population by the Genome Aggregation Database (gnomAD). The available evidence is insufficient to determine the role of this variant in disease conclusively. Therefore, this variant is classified as a Variant of Uncertain Significance.

Ambry Genetics
Classification: Uncertain significance for Hereditary cancer-predisposing syndrome. Last evaluated: 2024-04-25. Review status: criteria provided, single submitter. Criteria: Ambry Variant Classification Scheme 2023. Collection method: clinical testing. Allele origin: germline.
Comment: The p.C1043G variant (also known as c.3127T>G), located in coding exon 19 of the RET gene, results from a T to G substitution at nucleotide position 3127. The cysteine at codon 1043 is replaced by glycine, an amino acid with highly dissimilar properties. This amino acid position is highly conserved in available vertebrate species. In addition, this alteration is predicted to be deleterious by in silico analysis. Based on data from gnomAD, the frequency for this variant is above the maximum credible frequency for an MEN2-causing variant in this gene based on internally established thresholds (Karczewski et al. Nature. 2020 May;581(7809):434-443; Whiffin et al. Genet Med. 2017 10;19:1151-1158). Based on the supporting evidence, the association of this alteration with Hirschsprung disease is unknown; however, the association of this alteration with MEN2 is unlikely.